The following is an entry in ClinVar:

ClinVar aggregate classification (germline): Uncertain significance. Review status: criteria provided, multiple submitters, no conflicts (2 of 4 stars). 2 submissions from 2 submitters: Uncertain significance (2). Last evaluated 2026-06-25.

Conditions:
Hereditary nonpolyposis colorectal neoplasms. Identifiers: MedGen C0009405, MeSH D003123.
Hereditary cancer-predisposing syndrome. Also called: Neoplastic Syndromes, Hereditary; Hereditary neoplastic syndrome; Hereditary Cancer Syndrome; Tumor predisposition. Identifiers: Orphanet 140162, MedGen C0027672, MeSH D009386, MONDO:0015356.

gnomAD v4.1: 2 of 1,614,008 alleles (0.00012%); highest among the groups gnomAD compares: Non-Finnish European, 0.00017%; no homozygotes.

Submissions (2):

Ambry Genetics
Classification: Uncertain significance for Hereditary cancer-predisposing syndrome. Last evaluated: 2026-06-25. Review status: criteria provided, single submitter. Criteria: Ambry Variant Classification Scheme 2023. Collection method: clinical testing. Allele origin: germline.
Comment: The p.F289V variant (also known as c.865T>G), located in coding exon 8 of the PMS2 gene, results from a T to G substitution at nucleotide position 865. The phenylalanine at codon 289 is replaced by valine, an amino acid with highly similar properties. This amino acid position is highly conserved in available vertebrate species. In addition, this alteration is predicted to be deleterious by in silico analysis. Based on the available evidence, the clinical significance of this variant remains unclear.

Labcorp Genetics (formerly Invitae), Labcorp
Classification: Uncertain significance for Hereditary nonpolyposis colorectal neoplasms. Last evaluated: 2022-07-10. Review status: criteria provided, single submitter. Criteria: Invitae Variant Classification Sherloc (09022015). Collection method: clinical testing. Allele origin: germline.
Comment: This sequence change replaces phenylalanine, which is neutral and non-polar, with valine, which is neutral and non-polar, at codon 289 of the PMS2 protein (p.Phe289Val). This variant is present in population databases (no rsID available, gnomAD 0.0009%). This variant has not been reported in the literature in individuals affected with PMS2-related conditions. ClinVar contains an entry for this variant (Variation ID: 455745). Algorithms developed to predict the effect of missense changes on protein structure and function are either unavailable or do not agree on the potential impact of this missense change (SIFT: "Deleterious"; PolyPhen-2: "Probably Damaging"; Align-GVGD: "Class C15"). In summary, the available evidence is currently insufficient to determine the role of this variant in disease. Therefore, it has been classified as a Variant of Uncertain Significance.

NM_000535.7(PMS2):c.865T>G (p.Phe289Val)

Gene: PMS2 (PMS1 homolog 2, mismatch repair system component; minus strand). Cytogenetic location: 7p22.1.
Variant type: single nucleotide variant.
Coding change: c.865T>G on transcript NM_000535.7 (MANE Select); coding-DNA position 865, T replaced by G.
Protein change: p.Phe289Val; replaces phenylalanine 289 with valine.
Molecular consequence: missense variant. On other transcripts: 5 prime UTR variant (2), non-coding transcript variant (1).
Genome position (GRCh38, 1-based): chr7:5,995,572, A>C on the plus strand (T>G on the coding strand, the complement: PMS2 is on the minus strand). VCF-style: chr7-5995572-A-C. GRCh37 (hg19) VCF-style: chr7-6035203-A-C.
Other names: c.865T>G, p.Phe289Val (NM_001322006.2, NM_001322014.2); c.547T>G, p.Phe183Val (NM_001322007.2, NM_001322008.2); c.460T>G, p.Phe154Val (NM_001322009.2, NM_001322010.2, NM_001322003.2 and 2 more transcripts); c.-69T>G (NM_001322011.2, NM_001322012.2); c.292T>G, p.Phe98Val (NM_001322013.2); c.556T>G, p.Phe186Val (NM_001322015.2); short protein forms F289V, F183V, F154V, F186V, F98V.
Identifiers: ClinVar variation 455745 (VCV000455745.9), dbSNP rs771787834, ClinGen allele CA366743466.